The following is an entry in ClinVar:

NM_000271.5(NPC1):c.1903_1906dup (p.Ser636fs)

Gene: NPC1 (NPC intracellular cholesterol transporter 1; minus strand). Cytogenetic location: 18q11.2.
Variant type: Duplication.
Coding change: c.1903_1906dup on transcript NM_000271.5 (MANE Select); coding-DNA positions 1903 to 1906, 4 bases duplicated (ATTT; older notation c.1903_1906dupATTT).
Protein change: p.Ser636fs; shifts the reading frame from serine 636.
Molecular consequence: frameshift variant.
Genome position (GRCh38, 1-based): chr18:23,545,001-23,545,004, AAAT duplicated on the plus strand (ATTT on the coding strand, the reverse complement: NPC1 is on the minus strand); duplicating any 4 consecutive bases within chr18:23,545,001-23,545,005 gives the same sequence; the c. name uses the placement nearest the transcript's 3' end. VCF-style (leftmost placement, unchanged base first): chr18-23545000-G-GAAAT. GRCh37 (hg19) VCF-style: chr18-21124964-G-GAAAT.
Other names: short protein forms S636fs.
Identifiers: ClinVar variation 956471 (VCV000956471.7), dbSNP rs2058768417, ClinGen allele CA1139665983.

ClinVar aggregate classification (germline): Pathogenic (1 of 4 stars; one submission).

Conditions:
Niemann-Pick disease, type C1. Also called: NEUROVISCERAL STORAGE DISEASE WITH VERTICAL SUPRANUCLEAR OPHTHALMOPLEGIA; NIEMANN-PICK DISEASE WITH CHOLESTEROL ESTERIFICATION BLOCK; NIEMANN-PICK DISEASE WITHOUT SPHINGOMYELINASE DEFICIENCY; NIEMANN-PICK DISEASE, CHRONIC NEURONOPATHIC FORM; NIEMANN-PICK DISEASE, VARIANT TYPE C1. Identifiers: Orphanet 646, MedGen C3179455, MONDO:0009757, OMIM 257220.

Submission:

Labcorp Genetics (formerly Invitae), Labcorp
Classification: Pathogenic for Niemann-Pick disease, type C1. Last evaluated: 2019-10-29. Review status: criteria provided, single submitter. Criteria: Invitae Variant Classification Sherloc (09022015). Collection method: clinical testing. Allele origin: germline.
Comment: This variant is not present in population databases (ExAC no frequency). This variant has not been reported in the literature in individuals with NPC1-related conditions. Loss-of-function variants in NPC1 are known to be pathogenic (PMID: 9211850). For these reasons, this variant has been classified as Pathogenic. This sequence change creates a premature translational stop signal (p.Ser636Tyrfs*54) in the NPC1 gene. It is expected to result in an absent or disrupted protein product.

Literature cited by the submitters: PubMed 9211850.